The following is an entry in ClinVar:

NM_001099772.2(CYP4B1):c.147T>C (p.Pro49=)

Gene: CYP4B1 (cytochrome P450 family 4 subfamily B member 1; plus strand). Cytogenetic location: 1p33.
Variant type: single nucleotide variant.
Coding change: c.147T>C on transcript NM_001099772.2 (MANE Select); coding-DNA position 147, T replaced by C.
Protein change: p.Pro49=; no amino-acid change (proline 49 retained).
Molecular consequence: synonymous variant. On other transcripts: 5 prime UTR variant (2), non-coding transcript variant (1).
Genome position (GRCh38, 1-based): chr1:46,799,228, T>C. VCF-style: chr1-46799228-T-C. GRCh37 (hg19) VCF-style: chr1-47264900-T-C.
Other names: c.147T>C, p.Pro49= (NM_000779.4, NM_001319161.2); c.-156T>C (NM_001319162.2, NM_001319163.2).
Identifiers: ClinVar variation 774394 (VCV000774394.28), dbSNP rs45522235, ClinGen allele CA838650.

ClinVar aggregate classification (germline): Benign/Likely benign. Review status: criteria provided, multiple submitters, no conflicts (2 of 4 stars). 3 submissions from 3 submitters: Benign (2); Likely benign (1). Last evaluated 2023-02-01.

Allele frequency attached by ClinVar (database versions not stated): 1000 Genomes Project 30x 0.00359; 1000 Genomes Project 0.00399; gnomAD 0.00568 and 0.00573; ESP Exome Variant Server 0.00592; gnomAD exomes 0.00620 and 0.00869; TOPMed 0.00623; ExAC 0.00810.
gnomAD v4.1: 13,396 of 1,602,076 alleles (0.84%); highest among the groups gnomAD compares: Non-Finnish European, 0.99%; 69 homozygotes.

Submissions (3):

CeGaT Center for Human Genetics Tuebingen
Classification: Likely benign. Last evaluated: 2023-02-01. Review status: criteria provided, single submitter. Criteria: CeGaT Center For Human Genetics Tuebingen Variant Classification Criteria Version 2. Collection method: clinical testing. Allele origin: germline. Affected: yes. Observed: 2 variant alleles.
Comment: CYP4B1: BP4, BP7, BS2

Labcorp Genetics (formerly Invitae), Labcorp
Classification: Benign. Last evaluated: 2018-05-31. Review status: criteria provided, single submitter. Criteria: Invitae Variant Classification Sherloc (09022015). Collection method: clinical testing. Allele origin: germline.

Breakthrough Genomics
Classification: Benign. Review status: criteria provided, single submitter. Criteria: ACMG Guidelines, 2015. Collection method: not provided. Allele origin: germline. Inheritance: Unknown mechanism. Affected: yes.